The following is an entry in ClinVar:

ClinVar aggregate classification (germline): Uncertain significance (1 of 4 stars; one submission).

Submission:

Labcorp Genetics (formerly Invitae), Labcorp
Classification: Uncertain significance. Last evaluated: 2018-01-14. Review status: criteria provided, single submitter. Criteria: Invitae Variant Classification Sherloc (09022015). Collection method: clinical testing. Allele origin: germline.
Comment: This sequence change results in a premature translational stop signal in the XRCC2 gene (p.Leu168Phefs*19). While this is not anticipated to result in nonsense mediated decay, it is expected to disrupt the last 113 amino acids of the XRCC2 protein. The current clinical and genetic evidence is not sufficient to establish whether loss-of-function variants in XRCC2 cause disease. In summary, the available evidence is currently insufficient to determine the role of this variant in disease. Therefore, it has been classified as a Variant of Uncertain Significance. This variant has not been reported in the literature in individuals with XRCC2-related disease. This variant is not present in population databases (ExAC no frequency).

NM_005431.2(XRCC2):c.503dup (p.Leu168fs)

Gene: XRCC2 (X-ray repair cross complementing 2; minus strand). Cytogenetic location: 7q36.1.
Variant type: Duplication.
Coding change: c.503dup on transcript NM_005431.2 (MANE Select); coding-DNA position 503, one base duplicated (T; older notation c.503dupT).
Protein change: p.Leu168fs; shifts the reading frame from leucine 168.
Molecular consequence: frameshift variant.
Genome position (GRCh38, 1-based): chr7:152,648,982, A duplicated on the plus strand (T on the coding strand, the reverse complement: XRCC2 is on the minus strand); the first of 2 consecutive A bases (chr7:152,648,982-152,648,983); duplicating either gives the same sequence. VCF-style (leftmost placement, unchanged base first): chr7-152648981-T-TA. GRCh37 (hg19) VCF-style: chr7-152346066-T-TA.
Other names: short protein forms L168fs.
Identifiers: ClinVar variation 1063049 (VCV001063049.7), dbSNP rs2116987680, ClinGen allele CA2499218838.